The following is an entry in ClinVar:

NM_001267550.2(TTN):c.101050C>A (p.Leu33684Met)

Genes: TTN (titin; minus strand), TTN-AS1 (TTN antisense RNA 1; plus strand). Cytogenetic location: 2q31.2.
Variant type: single nucleotide variant.
Coding change: c.101050C>A on transcript NM_001267550.2 (MANE Select); coding-DNA position 101050, C replaced by A.
Protein change: p.Leu33684Met; replaces leucine 33684 with methionine.
Molecular consequence: missense variant.
Genome position (GRCh38, 1-based): chr2:178,535,565, G>T on the plus strand (C>A on the coding strand, the complement: TTN is on the minus strand). VCF-style: chr2-178535565-G-T. GRCh37 (hg19) VCF-style: chr2-179400292-G-T.
Other names: c.96127C>A, p.Leu32043Met (NM_001256850.1); c.73855C>A, p.Leu24619Met (NM_003319.4); c.93346C>A, p.Leu31116Met (NM_133378.4); c.74230C>A, p.Leu24744Met (NM_133432.3); c.74431C>A, p.Leu24811Met (NM_133437.4); short protein forms L24619M, L24744M, L24811M, L31116M, L32043M, L33684M.
Identifiers: ClinVar variation 3752168 (VCV003752168.2).

ClinVar aggregate classification (germline): Uncertain significance (1 of 4 stars; one submission).

Conditions:
Autosomal recessive limb-girdle muscular dystrophy type 2J (LGMDR10). Also called: Limb-girdle muscular dystrophy, type 2J; MUSCULAR DYSTROPHY, LIMB-GIRDLE, AUTOSOMAL RECESSIVE 10. Identifiers: Orphanet 140922, MedGen C1837342, MONDO:0012127, OMIM 608807.
Dilated cardiomyopathy 1G (CMD1G). Identifiers: Orphanet 154, MedGen C1858763, MONDO:0011400, OMIM 604145.

gnomAD v4.1: 9 of 1,613,880 alleles (0.00056%); highest among the groups gnomAD compares: Non-Finnish European, 0.00068%; no homozygotes.

Submission:

Labcorp Genetics (formerly Invitae), Labcorp
Classification: Uncertain significance for Dilated cardiomyopathy 1G; Autosomal recessive limb-girdle muscular dystrophy type 2J. Last evaluated: 2024-03-01. Review status: criteria provided, single submitter. Criteria: Invitae Variant Classification Sherloc (09022015). Collection method: clinical testing. Allele origin: germline.
Comment: This sequence change replaces leucine, which is neutral and non-polar, with methionine, which is neutral and non-polar, at codon 33684 of the TTN protein (p.Leu33684Met). This variant is present in population databases (rs775824162, gnomAD 0.004%). This variant has not been reported in the literature in individuals affected with TTN-related conditions. Experimental studies and prediction algorithms are not available or were not evaluated, and the functional significance of this variant is currently unknown. This variant is located in the M band of TTN (PMID: 25589632). Non-truncating variants in this region may be relevant for neuromuscular disorders, but have not been definitively shown to cause cardiomyopathy (PMID: 23975875). In summary, the available evidence is currently insufficient to determine the role of this variant in disease. Therefore, it has been classified as a Variant of Uncertain Significance.

Literature cited by the submitters: PubMed 25589632; PubMed 23975875.